The following is an entry in ClinVar:

ClinVar aggregate classification (germline): Pathogenic/Likely pathogenic. Review status: criteria provided, multiple submitters, no conflicts (2 of 4 stars). 4 submissions from 4 submitters: Pathogenic (2); Likely pathogenic (2). Last evaluated 2024-04-05.

Conditions:
SCN8A-related disorder.
Early-infantile DEE. Also called: Ohtahara syndrome; Early infantile epileptic encephalopathy; Early infantile epileptic encephalopathy with suppression bursts. Identifiers: Orphanet 1934, MedGen C0393706, MONDO:0800491.
Developmental and epileptic encephalopathy. Identifiers: MedGen C5779964, MONDO:0100620.

Submissions (4):

Labcorp Genetics (formerly Invitae), Labcorp
Classification: Pathogenic for Early-infantile DEE. Last evaluated: 2024-04-05. Review status: criteria provided, single submitter. Criteria: Invitae Variant Classification Sherloc (09022015). Collection method: clinical testing. Allele origin: germline.
Comment: This sequence change replaces isoleucine, which is neutral and non-polar, with valine, which is neutral and non-polar, at codon 763 of the SCN8A protein (p.Ile763Val). This variant is not present in population databases (gnomAD no frequency). This missense change has been observed in individual(s) with clinical features of SCN8A-related conditions (PMID: 27875746, 31487502; Invitae). In at least one individual the variant was observed to be de novo. ClinVar contains an entry for this variant (Variation ID: 194402). Advanced modeling of protein sequence and biophysical properties (such as structural, functional, and spatial information, amino acid conservation, physicochemical variation, residue mobility, and thermodynamic stability) performed at Invitae indicates that this missense variant is expected to disrupt SCN8A protein function with a positive predictive value of 95%. For these reasons, this variant has been classified as Pathogenic.

GeneDx
Classification: Pathogenic. Last evaluated: 2021-09-08. Review status: criteria provided, single submitter. Criteria: GeneDx Variant Classification Process June 2021. Collection method: clinical testing. Allele origin: germline. Affected: yes.
Comment: Not observed at significant frequency in large population cohorts (Lek et al., 2016); Missense variants in this gene are often considered pathogenic (Stenson et al., 2014); In silico analysis supports that this missense variant does not alter protein structure/function; This variant is associated with the following publications: (PMID: 29056246, 31487502, 32090326, 27875746)

Eurofins Ntd Llc (ga)
Classification: Likely pathogenic. Last evaluated: 2018-03-02. Review status: criteria provided, single submitter. Criteria: EGL ClinVar v180209 classification definitions. Collection method: clinical testing. Allele origin: germline. Observed: 2 variant alleles, 2 heterozygotes.

Unidad de Genómica Garrahan, Hospital de Pediatría Garrahan
Classification: Likely pathogenic for Developmental and epileptic encephalopathy. Last evaluated: 2017-01-01. Review status: criteria provided, single submitter. Criteria: ACMG Guidelines, 2015. Collection method: clinical testing. Allele origin: de novo. Affected: yes. Observed: 1 variant allele.

Literature cited by the submitters: PubMed 27875746 (cited by Labcorp Genetics (formerly Invitae), Labcorp and Eurofins Ntd Llc (ga)); PubMed 31487502 (cited by Labcorp Genetics (formerly Invitae), Labcorp).

NM_001330260.2(SCN8A):c.2287A>G (p.Ile763Val)

Gene: SCN8A (sodium voltage-gated channel alpha subunit 8; plus strand). Cytogenetic location: 12q13.13.
Variant type: single nucleotide variant.
Coding change: c.2287A>G on transcript NM_001330260.2 (MANE Select); coding-DNA position 2287, A replaced by G.
Protein change: p.Ile763Val; replaces isoleucine 763 with valine.
Molecular consequence: missense variant.
Genome position (GRCh38, 1-based): chr12:51,751,510, A>G. VCF-style: chr12-51751510-A-G. GRCh37 (hg19) VCF-style: chr12-52145294-A-G.
Other names: p.I763V:ATC>GTC; NP_001317189.1:p.(Ile763Val); c.2287A>G, p.Ile763Val (NM_001177984.3, NM_001369788.1, NM_014191.4); short protein forms I763V.
Identifiers: ClinVar variation 194402 (VCV000194402.17), dbSNP rs794727128, ClinGen allele CA240328.